The following is an entry in ClinVar:

ClinVar aggregate classification (germline): Uncertain significance (1 of 4 stars; one submission).

Allele frequency attached by ClinVar (database versions not stated): gnomAD exomes 0.00001; ExAC 0.00002; gnomAD 0.00003 and 0.00004; TOPMed 0.00003; ESP Exome Variant Server 0.00015.
gnomAD v4.1: 7 of 1,608,014 alleles (0.00044%); highest among the groups gnomAD compares: African/African-American, 0.0094%; no homozygotes.

Submission:

Labcorp Genetics (formerly Invitae), Labcorp
Classification: Uncertain significance. Last evaluated: 2022-08-16. Review status: criteria provided, single submitter. Criteria: Invitae Variant Classification Sherloc (09022015). Collection method: clinical testing. Allele origin: germline.
Comment: Algorithms developed to predict the effect of missense changes on protein structure and function output the following: SIFT: "Tolerated"; PolyPhen-2: "Benign"; Align-GVGD: "Class C0". The isoleucine amino acid residue is found in multiple mammalian species, which suggests that this missense change does not adversely affect protein function. In summary, the available evidence is currently insufficient to determine the role of this variant in disease. Therefore, it has been classified as a Variant of Uncertain Significance. ClinVar contains an entry for this variant (Variation ID: 1463360). This variant has not been reported in the literature in individuals affected with KIF22-related conditions. The frequency data for this variant in the population databases is considered unreliable, as metrics indicate poor data quality at this position in the gnomAD database. This sequence change replaces methionine, which is neutral and non-polar, with isoleucine, which is neutral and non-polar, at codon 532 of the KIF22 protein (p.Met532Ile).

NM_007317.3(KIF22):c.1596G>A (p.Met532Ile)

Gene: KIF22 (kinesin family member 22; plus strand). Cytogenetic location: 16p11.2.
Variant type: single nucleotide variant.
Coding change: c.1596G>A on transcript NM_007317.3 (MANE Select); coding-DNA position 1596, G replaced by A.
Protein change: p.Met532Ile; replaces methionine 532 with isoleucine.
Molecular consequence: missense variant.
Genome position (GRCh38, 1-based): chr16:29,803,595, G>A. VCF-style: chr16-29803595-G-A. GRCh37 (hg19) VCF-style: chr16-29814916-G-A.
Other names: c.1392G>A, p.Met464Ile (NM_001256269.2, NM_001256270.1); short protein forms M532I, M464I.
Identifiers: ClinVar variation 1463360 (VCV001463360.8), dbSNP rs143943794, ClinGen allele CA7993333.
Genomic context (GRCh38, chr16:29,803,595, plus strand): 5'-CCGGCCCCTTTCACATCGCACAGTCACAGGGGCAAAGCCCCTGAAAAAGGCTGTGGTGAT[G>A]CCCCTACAGCTAAGTAAGTTTGACTCCAGGGGCTGGGGGGCCAAGGCAGCTGAGATCCTA-3'
Protein context (NP_015556.1, residues 522-542): GAKPLKKAVV[Met532Ile]PLQLIQEQAA